The following is an entry in ClinVar:

NM_001367561.1(DOCK7):c.3814A>G (p.Ile1272Val)

Gene: DOCK7 (dedicator of cytokinesis 7; minus strand). Cytogenetic location: 1p31.3.
Variant type: single nucleotide variant.
Coding change: c.3814A>G on transcript NM_001367561.1 (MANE Select); coding-DNA position 3814, A replaced by G.
Protein change: p.Ile1272Val; replaces isoleucine 1272 with valine.
Molecular consequence: missense variant.
Genome position (GRCh38, 1-based): chr1:62,528,273, T>C on the plus strand (A>G on the coding strand, the complement: DOCK7 is on the minus strand). VCF-style: chr1-62528273-T-C. GRCh37 (hg19) VCF-style: chr1-62993944-T-C.
Other names: c.3814A>G, p.Ile1272Val (NM_001271999.2, NM_001330614.2); c.3721A>G, p.Ile1241Val (NM_001272000.2, NM_001272001.2, NM_033407.4); c.3721A>G (NM_033407.2); short protein forms I1241V, I1272V.
Identifiers: ClinVar variation 1508622 (VCV001508622.6), dbSNP rs751761598, ClinGen allele CA885873.
Genomic context (GRCh38, chr1:62,528,273, plus strand): 5'-CCATGGCAACGGTCTGGCTTATCATACTTCCGCTCTCACTTTCATAATCATCAGTGGCTA[T>C]ACAAATTGGTCTTCCTCGTTGATTGTGAGTTTCTAAAGAAAAATAATCCAAAAAAATAAA-3'
Protein context (NP_001354490.1, residues 1262-1282): THNQRGRPIC[Ile1272Val]ATDDYESESG

ClinVar aggregate classification (germline): Uncertain significance. Review status: criteria provided, multiple submitters, no conflicts (2 of 4 stars). 2 submissions from 2 submitters: Uncertain significance (2). Last evaluated 2025-03-17.

Conditions:
Developmental and epileptic encephalopathy, 23 (DEE23). Also called: Epileptic encephalopathy, early infantile, 23. Identifiers: Orphanet 411986, MedGen C4014492, MONDO:0014371, OMIM 615859.
Inborn genetic diseases. Identifiers: MedGen C0950123, MeSH D030342.

Allele frequency attached by ClinVar (database versions not stated): gnomAD exomes below 0.00001; TOPMed 0.00001; gnomAD 0.00001; ExAC 0.00002.
gnomAD v4.1: 5 of 1,612,926 alleles (0.00031%); highest among the groups gnomAD compares: African/African-American, 0.0027%; no homozygotes.

Submissions (2):

Ambry Genetics
Classification: Uncertain significance for Inborn genetic diseases. Last evaluated: 2025-03-17. Review status: criteria provided, single submitter. Criteria: Ambry Variant Classification Scheme 2023. Collection method: clinical testing. Allele origin: germline.

Labcorp Genetics (formerly Invitae), Labcorp
Classification: Uncertain significance for Developmental and epileptic encephalopathy, 23. Last evaluated: 2021-08-30. Review status: criteria provided, single submitter. Criteria: Invitae Variant Classification Sherloc (09022015). Collection method: clinical testing. Allele origin: germline.
Comment: This sequence change replaces isoleucine with valine at codon 1272 of the DOCK7 protein (p.Ile1272Val). The isoleucine residue is weakly conserved and there is a small physicochemical difference between isoleucine and valine. This variant is present in population databases (rs751761598, ExAC 0.009%). This variant has not been reported in the literature in individuals affected with DOCK7-related conditions. Algorithms developed to predict the effect of missense changes on protein structure and function output the following: SIFT: "Tolerated"; PolyPhen-2: "Benign"; Align-GVGD: "Class C0". The valine amino acid residue is found in multiple mammalian species, which suggests that this missense change does not adversely affect protein function. In summary, the available evidence is currently insufficient to determine the role of this variant in disease. Therefore, it has been classified as a Variant of Uncertain Significance.